The following is an entry in ClinVar:

ClinVar aggregate classification (germline): Uncertain significance. Review status: criteria provided, multiple submitters, no conflicts (2 of 4 stars). 3 submissions from 3 submitters: Uncertain significance (2). 1 of the submissions does not count toward it. Last evaluated 2026-01-27.

Conditions:
Meckel-Gruber syndrome. Also called: Dysencephalia splachnocystica; DYSENCEPHALIA SPLANCHNOCYSTICA; GRUBER SYNDROME. Identifiers: Orphanet 564, MedGen C0265215, MONDO:0018921.
Nephronophthisis. Also called: Juvenile Nephronophthisis. Identifiers: Orphanet 655, MedGen C0687120, MONDO:0019005, HP:0000090.
Joubert syndrome. Also called: JOUBERT-BOLTSHAUSER SYNDROME; Familial aplasia of the vermis. Identifiers: Orphanet 475, MedGen C5979921, MONDO:0018772.
Leber congenital amaurosis (LCA). Also called: Leber's amaurosis. Identifiers: Orphanet 65, MedGen C0339527, MeSH D057130, MONDO:0018998.

Allele frequency attached by ClinVar (database versions not stated): ExAC 0.00002; gnomAD exomes 0.00001 and below 0.00001.
gnomAD v4.1: 5 of 1,589,388 alleles (0.00031%); highest among the groups gnomAD compares: South Asian, 0.0057%; no homozygotes.

Submissions (3):

GeneDx
Classification: Uncertain significance. Last evaluated: 2026-01-27. Review status: criteria provided, single submitter. Criteria: GeneDx Variant Classification Process June 2021. Collection method: clinical testing. Allele origin: germline.
Comment: Not observed at significant frequency in large population cohorts (gnomAD); In silico analysis suggests that this missense variant does not alter protein structure/function; Has not been previously published as pathogenic or benign to our knowledge

Labcorp Genetics (formerly Invitae), Labcorp
Classification: Uncertain significance for Joubert syndrome; Meckel-Gruber syndrome; Nephronophthisis. Last evaluated: 2022-07-06. Review status: criteria provided, single submitter. Criteria: Invitae Variant Classification Sherloc (09022015). Collection method: clinical testing. Allele origin: germline.
Comment: This sequence change replaces asparagine, which is neutral and polar, with histidine, which is basic and polar, at codon 1430 of the CEP290 protein (p.Asn1430His). This variant is present in population databases (rs749261915, gnomAD 0.007%). This variant has not been reported in the literature in individuals affected with CEP290-related conditions. ClinVar contains an entry for this variant (Variation ID: 404138). Algorithms developed to predict the effect of missense changes on protein structure and function are either unavailable or do not agree on the potential impact of this missense change (SIFT: "Deleterious"; PolyPhen-2: "Benign"; Align-GVGD: "Class C0"). In summary, the available evidence is currently insufficient to determine the role of this variant in disease. Therefore, it has been classified as a Variant of Uncertain Significance.

Natera, Inc.
Classification: Uncertain significance for Leber congenital amaurosis. Last evaluated: 2019-10-28. Review status: no assertion criteria provided. Collection method: clinical testing. Allele origin: germline. Not counted in ClinVar's aggregate classification.

NM_025114.4(CEP290):c.4288A>C (p.Asn1430His)

Gene: CEP290 (centrosomal protein 290; minus strand). Cytogenetic location: 12q21.32.
Variant type: single nucleotide variant.
Coding change: c.4288A>C on transcript NM_025114.4 (MANE Select); coding-DNA position 4288, A replaced by C.
Protein change: p.Asn1430His; replaces asparagine 1430 with histidine.
Molecular consequence: missense variant.
Genome position (GRCh38, 1-based): chr12:88,086,405, T>G on the plus strand (A>C on the coding strand, the complement: CEP290 is on the minus strand). VCF-style: chr12-88086405-T-G. GRCh37 (hg19) VCF-style: chr12-88480182-T-G.
Other names: short protein forms N1430H.
Identifiers: ClinVar variation 404138 (VCV000404138.9), dbSNP rs749261915, ClinGen allele CA6711987.